The following is an entry in ClinVar:

ClinVar aggregate classification (germline): Uncertain significance. Review status: criteria provided, multiple submitters, no conflicts (2 of 4 stars). 2 submissions from 2 submitters: Uncertain significance (2). Last evaluated 2021-09-20.

Conditions:
Atrial fibrillation, familial, 7 (ATFB7). Identifiers: MedGen C2677106, MONDO:0012828, OMIM 612240.

Submissions (2):

Fulgent Genetics
Classification: Uncertain significance for Atrial fibrillation, familial, 7. Last evaluated: 2021-09-20. Review status: criteria provided, single submitter. Criteria: ACMG Guidelines, 2015. Collection method: clinical testing. Allele origin: unknown.

Labcorp Genetics (formerly Invitae), Labcorp
Classification: Uncertain significance for Atrial fibrillation, familial, 7. Last evaluated: 2017-06-26. Review status: criteria provided, single submitter. Criteria: Invitae Variant Classification Sherloc (09022015). Collection method: clinical testing. Allele origin: germline.
Comment: This variant has not been reported in the literature in individuals with KCNA5-related disease. This variant is not present in population databases (ExAC no frequency). This sequence change replaces arginine with proline at codon 609 of the KCNA5 protein (p.Arg609Pro). The arginine residue is moderately conserved and there is a moderate physicochemical difference between arginine and proline. Algorithms developed to predict the effect of missense changes on protein structure and function do not agree on the potential impact of this missense change (SIFT: "Tolerated"; PolyPhen-2: "Possibly Damaging"; Align-GVGD: "Class C0"). In summary, the available evidence is currently insufficient to determine the role of this variant in disease. Therefore, it has been classified as a Variant of Uncertain Significance.

NM_002234.4(KCNA5):c.1826G>C (p.Arg609Pro)

Gene: KCNA5 (potassium voltage-gated channel subfamily A member 5; plus strand). Cytogenetic location: 12p13.32.
Variant type: single nucleotide variant.
Coding change: c.1826G>C on transcript NM_002234.4 (MANE Select); coding-DNA position 1826, G replaced by C.
Protein change: p.Arg609Pro; replaces arginine 609 with proline.
Molecular consequence: missense variant.
Genome position (GRCh38, 1-based): chr12:5,045,973, G>C. VCF-style: chr12-5045973-G-C. GRCh37 (hg19) VCF-style: chr12-5155139-G-C.
Other names: short protein forms R609P.
Identifiers: ClinVar variation 469588 (VCV000469588.9), dbSNP rs991950771, ClinGen allele CA383467303.